The following is an entry in ClinVar:

ClinVar aggregate classification (germline): Likely benign (0 of 4 stars; one submission).

Conditions:
SEMA3G-related disorder. Also called: SEMA3G-related condition.

Submission:

PreventionGenetics, part of Exact Sciences
Classification: Likely benign for SEMA3G-related condition. Last evaluated: 2022-05-23. Review status: no assertion criteria provided. Collection method: clinical testing. Allele origin: germline.
Comment: This variant is classified as likely benign based on ACMG/AMP sequence variant interpretation guidelines (Richards et al. 2015 PMID: 25741868, with internal and published modifications).

NM_020163.3(SEMA3G):c.1467+7A>C

Gene: SEMA3G (semaphorin 3G; minus strand). Cytogenetic location: 3p21.1.
Variant type: single nucleotide variant.
Coding change: c.1467+7A>C on transcript NM_020163.3 (MANE Select); 7 bases into the intron after coding-DNA position 1467, A replaced by C.
Molecular consequence: intron variant.
Genome position (GRCh38, 1-based): chr3:52,439,673, T>G on the plus strand (A>C on the coding strand, the complement: SEMA3G is on the minus strand). VCF-style: chr3-52439673-T-G. GRCh37 (hg19) VCF-style: chr3-52473689-T-G.
Identifiers: ClinVar variation 3354089 (VCV003354089.1).